The following is an entry in ClinVar:

ClinVar aggregate classification (germline): Benign/Likely benign. Review status: criteria provided, multiple submitters, no conflicts (2 of 4 stars). 5 submissions from 5 submitters: Benign (2); Likely benign (3). Last evaluated 2026-08-01.

Conditions:
Oculomaxillofacial dysostosis (OBLFC1). Also called: OCULOMAXILLOFACIAL DYSPLASIA WITH OBLIQUE FACIAL CLEFTS. Identifiers: Orphanet 141258, Orphanet 1794, MedGen C1838348, MONDO:0015824, OMIM 600251.
Teebi hypertelorism syndrome 1. Identifiers: Orphanet 1519, MedGen CN306405, MONDO:0800025, OMIM 145420.

Allele frequency attached by ClinVar (database versions not stated): TOPMed 0.00587; gnomAD exomes 0.00645 and 0.00767; ExAC 0.00723; gnomAD 0.00724 and 0.00780; 1000 Genomes Project 0.00339; 1000 Genomes Project 30x 0.00359; ESP Exome Variant Server 0.00569.
gnomAD v4.1: 10,549 of 1,614,182 alleles (0.65%); highest among the groups gnomAD compares: Middle Eastern, 1.4%; 71 homozygotes.

Submissions (5):

CeGaT Center for Human Genetics Tuebingen
Classification: Benign. Last evaluated: 2026-08-01. Review status: criteria provided, single submitter. Criteria: CeGaT Center For Human Genetics Tuebingen Variant Classification Criteria Version 2. Collection method: clinical testing. Allele origin: germline. Affected: yes. Observed: 24 variant alleles.
Comment: SPECC1L: BS1, BS2

Labcorp Genetics (formerly Invitae), Labcorp
Classification: Benign. Last evaluated: 2026-01-25. Review status: criteria provided, single submitter. Criteria: Invitae Variant Classification Sherloc (09022015). Collection method: clinical testing. Allele origin: germline.

Fulgent Genetics
Classification: Likely benign for Teebi hypertelorism syndrome 1; Oculomaxillofacial dysostosis. Last evaluated: 2022-04-25. Review status: criteria provided, single submitter. Criteria: ACMG Guidelines, 2015. Collection method: clinical testing. Allele origin: unknown.

Center for Pediatric Genomic Medicine, Children's Mercy Hospital and Clinics
Classification: Likely benign. Last evaluated: 2017-08-29. Review status: criteria provided, single submitter. Criteria: ACMG Guidelines, 2015. Collection method: clinical testing. Allele origin: germline.

Breakthrough Genomics
Classification: Likely benign. Review status: criteria provided, single submitter. Criteria: ACMG Guidelines, 2015. Collection method: not provided. Allele origin: germline. Inheritance: Autosomal dominant inheritance. Affected: yes.

NM_015330.6(SPECC1L):c.562C>T (p.Leu188Phe)

Genes: SPECC1L-ADORA2A (SPECC1L-ADORA2A readthrough (NMD candidate); plus strand), SPECC1L (sperm antigen with calponin homology and coiled-coil domains 1 like; plus strand). Cytogenetic location: 22q11.23.
Variant type: single nucleotide variant.
Coding change: c.562C>T on transcript NM_015330.6 (MANE Select); coding-DNA position 562, C replaced by T.
Protein change: p.Leu188Phe; replaces leucine 188 with phenylalanine.
Molecular consequence: missense variant. On other transcripts: non-coding transcript variant (1).
Genome position (GRCh38, 1-based): chr22:24,321,542, C>T. VCF-style: chr22-24321542-C-T. GRCh37 (hg19) VCF-style: chr22-24717510-C-T.
Other names: c.562C>T, p.Leu188Phe (NM_001145468.4, NM_001254732.3); short protein forms L188F.
Identifiers: ClinVar variation 445410 (VCV000445410.43), dbSNP rs56168869, ClinGen allele CA10151980.